The following is an entry in ClinVar:

NM_004104.5(FASN):c.4931A>G (p.Glu1644Gly)

Gene: FASN (fatty acid synthase; minus strand). Cytogenetic location: 17q25.3.
Variant type: single nucleotide variant.
Coding change: c.4931A>G on transcript NM_004104.5 (MANE Select); coding-DNA position 4931, A replaced by G.
Protein change: p.Glu1644Gly; replaces glutamic acid 1644 with glycine.
Molecular consequence: missense variant.
Genome position (GRCh38, 1-based): chr17:82,084,142, T>C on the plus strand (A>G on the coding strand, the complement: FASN is on the minus strand). VCF-style: chr17-82084142-T-C. GRCh37 (hg19) VCF-style: chr17-80042018-T-C.
Other names: c.4931A>G (NM_004104.4); short protein forms E1644G.
Identifiers: ClinVar variation 1021135 (VCV001021135.10), dbSNP rs867655381, ClinGen allele CA295128412.

ClinVar aggregate classification (germline): Uncertain significance. Review status: criteria provided, multiple submitters, no conflicts (2 of 4 stars). 3 submissions from 3 submitters: Uncertain significance (3). Last evaluated 2025-12-19.

Conditions:
Epileptic encephalopathy. Identifiers: MedGen C0543888, HP:0200134.

gnomAD v4.1: 9 of 1,595,512 alleles (0.00056%); highest among the groups gnomAD compares: Middle Eastern, 0.12%; no homozygotes.

Submissions (3):

Labcorp Genetics (formerly Invitae), Labcorp
Classification: Uncertain significance for Epileptic encephalopathy. Last evaluated: 2025-12-19. Review status: criteria provided, single submitter. Criteria: Invitae Variant Classification Sherloc (09022015). Collection method: clinical testing. Allele origin: germline.
Comment: This sequence change replaces glutamic acid, which is acidic and polar, with glycine, which is neutral and non-polar, at codon 1644 of the FASN protein (p.Glu1644Gly). This variant is present in population databases (no rsID available, gnomAD 0.001%). This variant has not been reported in the literature in individuals affected with FASN-related conditions. ClinVar contains an entry for this variant (Variation ID: 1021135). An algorithm developed to predict the effect of missense changes on protein structure and function (PolyPhen-2) suggests that this variant is likely to be disruptive. In summary, the available evidence is currently insufficient to determine the role of this variant in disease. Therefore, it has been classified as a Variant of Uncertain Significance.

Ambry Genetics
Classification: Uncertain significance. Last evaluated: 2025-12-09. Review status: criteria provided, single submitter. Criteria: Ambry Variant Classification Scheme 2023. Collection method: clinical testing. Allele origin: germline.

Breakthrough Genomics
Classification: Uncertain significance. Review status: criteria provided, single submitter. Criteria: ACMG Guidelines, 2015. Collection method: not provided. Allele origin: germline. Inheritance: Unknown mechanism. Affected: yes.